The following is an entry in ClinVar:

NM_000088.4(COL1A1):c.2144del (p.Pro715fs)

Gene: COL1A1 (collagen type I alpha 1 chain; minus strand). Cytogenetic location: 17q21.33.
Variant type: Deletion.
Coding change: c.2144del on transcript NM_000088.4 (MANE Select); coding-DNA position 2144, one base deleted (C; older notation c.2144delC).
Protein change: p.Pro715fs; shifts the reading frame from proline 715.
Molecular consequence: frameshift variant.
Genome position (GRCh38, 1-based): chr17:50,191,474, G deleted on the plus strand (C on the coding strand, the reverse complement: COL1A1 is on the minus strand); the first of 4 consecutive G bases (chr17:50,191,474-50,191,477); deleting any one gives the same sequence. VCF-style (leftmost placement, unchanged base first): chr17-50191473-AG-A. GRCh37 (hg19) VCF-style: chr17-48268834-AG-A.
Other names: short protein forms P715fs.
Identifiers: ClinVar variation 2837544 (VCV002837544.3), dbSNP rs2509197765, ClinGen allele CA2739268248.

ClinVar aggregate classification (germline): Pathogenic (1 of 4 stars; one submission).

Conditions:
Osteogenesis imperfecta type I (OI1). Also called: OI, TYPE I; OSTEOGENESIS IMPERFECTA TARDA; OSTEOGENESIS IMPERFECTA WITH BLUE SCLERAE; Osteogenesis imperfecta type 1; Lobstein's Disease; Lobstein disease. Identifiers: Orphanet 216796, Orphanet 666, MedGen C0023931, MONDO:0008146, OMIM 166200. Disease mechanism: loss of function.

Submission:

Labcorp Genetics (formerly Invitae), Labcorp
Classification: Pathogenic for Osteogenesis imperfecta type I. Last evaluated: 2023-06-14. Review status: criteria provided, single submitter. Criteria: Invitae Variant Classification Sherloc (09022015). Collection method: clinical testing. Allele origin: germline.
Comment: For these reasons, this variant has been classified as Pathogenic. This variant has not been reported in the literature in individuals affected with COL1A1-related conditions. This variant is not present in population databases (gnomAD no frequency). This sequence change creates a premature translational stop signal (p.Pro715Leufs*51) in the COL1A1 gene. It is expected to result in an absent or disrupted protein product. Loss-of-function variants in COL1A1 are known to be pathogenic (PMID: 7942841, 9295084, 9443882).

Literature cited by the submitters: PubMed 7942841; PubMed 9295084; PubMed 9443882.